The following is an entry in ClinVar:

NM_015634.4(KIFBP):c.1761T>C (p.Pro587=)

Gene: KIFBP (kinesin family binding protein; plus strand). Cytogenetic location: 10q22.1.
Variant type: single nucleotide variant.
Coding change: c.1761T>C on transcript NM_015634.4 (MANE Select); coding-DNA position 1761, T replaced by C.
Protein change: p.Pro587=; no amino-acid change (proline 587 retained).
Molecular consequence: synonymous variant.
Genome position (GRCh38, 1-based): chr10:69,016,311, T>C. VCF-style: chr10-69016311-T-C. GRCh37 (hg19) VCF-style: chr10-70776067-T-C.
Identifiers: ClinVar variation 158695 (VCV000158695.53), dbSNP rs41279644, ClinGen allele CA172371.

ClinVar aggregate classification (germline): Benign/Likely benign. Review status: criteria provided, multiple submitters, no conflicts (2 of 4 stars). 7 submissions from 7 submitters: Benign (4); Likely benign (3). Last evaluated 2026-07-01.

Conditions:
Goldberg-Shprintzen syndrome. Identifiers: Orphanet 66629, MedGen C1836123, MONDO:0012280, OMIM 609460.

Allele frequency attached by ClinVar (database versions not stated): gnomAD exomes 0.00585 and 0.00623; 1000 Genomes Project 30x 0.00281; TOPMed 0.00327; 1000 Genomes Project 0.00339; ESP Exome Variant Server 0.00354; gnomAD 0.00517 and 0.00520; ExAC 0.00563.
gnomAD v4.1: 9,709 of 1,608,528 alleles (0.6%); highest among the groups gnomAD compares: Non-Finnish European, 0.64%; 45 homozygotes.

Submissions (7):

CeGaT Center for Human Genetics Tuebingen
Classification: Likely benign. Last evaluated: 2026-07-01. Review status: criteria provided, single submitter. Criteria: CeGaT Center For Human Genetics Tuebingen Variant Classification Criteria Version 2. Collection method: clinical testing. Allele origin: germline. Affected: yes. Observed: 14 variant alleles.
Comment: KIFBP: BP4, BP7, BS2

Labcorp Genetics (formerly Invitae), Labcorp
Classification: Benign. Last evaluated: 2026-01-19. Review status: criteria provided, single submitter. Criteria: Invitae Variant Classification Sherloc (09022015). Collection method: clinical testing. Allele origin: germline.

Athena Diagnostics
Classification: Benign. Last evaluated: 2024-12-23. Review status: criteria provided, single submitter. Criteria: Athena Diagnostics Criteria. Collection method: clinical testing. Allele origin: unknown.
Comment: The frequency of this variant in the general population is higher than would generally be expected for pathogenic variants in this gene. Computational tools yielded predictions that this variant is unlikely to have an effect on normal RNA splicing. This nucleotide position exhibits low evolutionary conservation.

Blueprint Genetics
Classification: Likely benign. Last evaluated: 2024-11-27. Review status: criteria provided, single submitter. Criteria: ACMG Guidelines, 2015. Collection method: clinical testing. Allele origin: germline.

Genetic Services Laboratory, University of Chicago
Classification: Benign. Last evaluated: 2020-09-11. Review status: criteria provided, single submitter. Criteria: ACMG Guidelines, 2015. Collection method: clinical testing. Allele origin: germline. Affected: no.

Illumina Laboratory Services, Illumina
Classification: Likely benign for Goldberg-Shprintzen syndrome. Last evaluated: 2018-01-13. Review status: criteria provided, single submitter. Criteria: ICSL Variant Classification Criteria 13 December 2019. Collection method: clinical testing. Allele origin: germline.
Comment: This variant was observed in the ICSL laboratory as part of a predisposition screen in an ostensibly healthy population. It had not been previously curated by ICSL or reported in the Human Gene Mutation Database (HGMD: prior to June 1st, 2018), and was therefore a candidate for classification through an automated scoring system. Utilizing variant allele frequency, disease prevalence and penetrance estimates, and inheritance mode, an automated score was calculated to assess if this variant is too frequent to cause the disease. Based on the score and internal cut-off values, a variant classified as likely benign is not then subjected to further curation. The score for this variant resulted in a classification of likely benign for this disease.

GeneDx
Classification: Benign. Last evaluated: 2017-01-23. Review status: criteria provided, single submitter. Criteria: GeneDx Variant Classification (06012015). Collection method: clinical testing. Allele origin: germline. Affected: yes.
Comment: This variant is considered likely benign or benign based on one or more of the following criteria: it is a conservative change, it occurs at a poorly conserved position in the protein, it is predicted to be benign by multiple in silico algorithms, and/or has population frequency not consistent with disease.